The following is an entry in ClinVar:

ClinVar aggregate classification (germline): Uncertain significance (1 of 4 stars; one submission).

Conditions:
Hereditary cancer-predisposing syndrome. Also called: Tumor predisposition; Neoplastic Syndromes, Hereditary; Hereditary Cancer Syndrome; Hereditary neoplastic syndrome. Identifiers: Orphanet 140162, MedGen C0027672, MeSH D009386, MONDO:0015356.

Submission:

Ambry Genetics
Classification: Uncertain significance for Hereditary cancer-predisposing syndrome. Last evaluated: 2024-10-25. Review status: criteria provided, single submitter. Criteria: Ambry Variant Classification Scheme 2023. Collection method: clinical testing. Allele origin: germline.
Comment: The c.482delC variant, located in coding exon 2 of the CDKN1B gene, results from a deletion of one nucleotide at nucleotide position 482, causing a translational frameshift with a predicted alternate stop codon (p.S161Lfs*64). This alteration occurs at the 3' terminus of theCDKN1B gene, is not expected to trigger nonsense-mediated mRNAdecay and results in the elongation of the protein by 25 amino acids. This frameshift impacts the last 38amino acids of the native protein. The exact functional effect of the altered amino acids is unknown. Based on the available evidence, the clinical significance of this variant remains unclear.

NM_004064.5(CDKN1B):c.482del (p.Ser161fs)

Gene: CDKN1B (cyclin dependent kinase inhibitor 1B; plus strand). Cytogenetic location: 12p13.1.
Variant type: Deletion.
Coding change: c.482del on transcript NM_004064.5 (MANE Select); coding-DNA position 482, one base deleted (C; older notation c.482delC).
Protein change: p.Ser161fs; shifts the reading frame from serine 161.
Molecular consequence: frameshift variant.
Genome position (GRCh38, 1-based): chr12:12,718,831, C deleted. VCF-style (leftmost placement, unchanged base first): chr12-12718830-TC-T. GRCh37 (hg19) VCF-style: chr12-12871764-TC-T.
Other names: short protein forms S161fs.
Identifiers: ClinVar variation 3489634 (VCV003489634.1).